The following is an entry in ClinVar:

ClinVar aggregate classification (germline): Conflicting classifications of pathogenicity. Review status: criteria provided, conflicting classifications (1 of 4 stars). 5 submissions from 5 submitters: Uncertain significance (3); Likely benign (1). 1 of the submissions does not count toward it. Last evaluated 2025-12-13.

Conditions:
Hereditary leiomyomatosis and renal cell cancer. Also called: MULTIPLE CUTANEOUS AND UTERINE LEIOMYOMATA 1, WITH OR WITHOUT RENAL CELL CARCINOMA; Reed syndrome; Multiple cutaneous and uterine leiomyomatosis; Cutaneous leiomyomata with uterine leiomyomata; Leiomyoma, hereditary multiple, of skin; Multiple cutaneous and uterine leiomyomata. Identifiers: Orphanet 523, MedGen C1708350, MONDO:0007888, OMIM 150800, HP:0007437. Disease mechanism: loss of function.
Fumarase deficiency (FMRD). Also called: Fumarate Hydratase Deficiency; Fumaric aciduria. Identifiers: Orphanet 24, MedGen C0342770, MONDO:0011730, OMIM 606812.
Hereditary cancer-predisposing syndrome. Also called: Neoplastic Syndromes, Hereditary; Tumor predisposition; Hereditary Cancer Syndrome; Hereditary neoplastic syndrome. Identifiers: Orphanet 140162, MedGen C0027672, MeSH D009386, MONDO:0015356.

Allele frequency attached by ClinVar (database versions not stated): ExAC 0.00002; gnomAD 0.00002; gnomAD exomes 0.00002 and 0.00003; TOPMed 0.00002.
gnomAD v4.1: 51 of 1,613,894 alleles (0.0032%); highest among the groups gnomAD compares: Non-Finnish European, 0.0043%; no homozygotes.

Submissions (5):

Labcorp Genetics (formerly Invitae), Labcorp
Classification: Uncertain significance. Last evaluated: 2025-12-13. Review status: criteria provided, single submitter. Criteria: Invitae Variant Classification Sherloc (09022015). Collection method: clinical testing. Allele origin: germline.
Comment: This sequence change replaces asparagine, which is neutral and polar, with aspartic acid, which is acidic and polar, at codon 118 of the FH protein (p.Asn118Asp). This variant is present in population databases (rs200738857, gnomAD 0.004%). This variant has not been reported in the literature in individuals affected with FH-related conditions. ClinVar contains an entry for this variant (Variation ID: 653197). Invitae Evidence Modeling of protein sequence and biophysical properties (such as structural, functional, and spatial information, amino acid conservation, physicochemical variation, residue mobility, and thermodynamic stability) indicates that this missense variant is not expected to disrupt FH protein function with a negative predictive value of 95%. In summary, the available evidence is currently insufficient to determine the role of this variant in disease. Therefore, it has been classified as a Variant of Uncertain Significance.

Ambry Genetics
Classification: Likely benign for Hereditary cancer-predisposing syndrome. Last evaluated: 2025-12-02. Review status: criteria provided, single submitter. Criteria: Ambry Variant Classification Scheme 2023. Collection method: clinical testing. Allele origin: germline.

Quest Diagnostics Nichols Institute San Juan Capistrano
Classification: Uncertain significance. Last evaluated: 2023-04-23. Review status: criteria provided, single submitter. Criteria: Quest Diagnostics criteria. Collection method: clinical testing. Allele origin: unknown.
Comment: The variant has not been reported in the published literature. The frequency of this variant in the general population, 0.000035 (4/113736 chromosomes), is uninformative in assessment of its pathogenicity. Analysis of this variant using bioinformatics tools for the prediction of the effect of amino acid changes on protein structure and function yielded predictions that this variant is benign. Based on the available information, we are unable to determine the clinical significance of this variant.

Fulgent Genetics
Classification: Uncertain significance for Hereditary leiomyomatosis and renal cell cancer; Fumarase deficiency. Last evaluated: 2021-11-11. Review status: criteria provided, single submitter. Criteria: ACMG Guidelines, 2015. Collection method: clinical testing. Allele origin: unknown.

Natera, Inc.
Classification: Uncertain significance for Fumarase Deficiency. Last evaluated: 2020-08-31. Review status: no assertion criteria provided. Collection method: clinical testing. Allele origin: germline. Not counted in ClinVar's aggregate classification.

NM_000143.4(FH):c.352A>G (p.Asn118Asp)

Gene: FH (fumarate hydratase; minus strand). Cytogenetic location: 1q43.
Variant type: single nucleotide variant.
Coding change: c.352A>G on transcript NM_000143.4 (MANE Select); coding-DNA position 352, A replaced by G.
Protein change: p.Asn118Asp; replaces asparagine 118 with aspartic acid.
Molecular consequence: missense variant.
Genome position (GRCh38, 1-based): chr1:241,513,629, T>C on the plus strand (A>G on the coding strand, the complement: FH is on the minus strand). VCF-style: chr1-241513629-T-C. GRCh37 (hg19) VCF-style: chr1-241676929-T-C.
Other names: short protein forms N118D.
Identifiers: ClinVar variation 653197 (VCV000653197.21), dbSNP rs200738857, ClinGen allele CA1478711.
Genomic context (GRCh38, chr1:241,513,629, plus strand): 5'-AGGTTATTAAGCAAACACACTTATCACCTCCTACCTCATCTGCTGCCTTCATTATTGCAT[T>C]AGCAATCTTTGGATCAAGACCATAATCCTGGTTTACTTCAGCGGCCGCTCGCTTCAAGAT-3'
Protein context (NP_000134.2, residues 108-128): QDYGLDPKIA[Asn118Asp]AIMKAADEVA